The following is an entry in ClinVar:

NM_153676.4(USH1C):c.1106A>G (p.Lys369Arg)

Gene: USH1C (USH1 protein network component harmonin; minus strand). Cytogenetic location: 11p15.1.
Variant type: single nucleotide variant.
Coding change: c.1106A>G on transcript NM_153676.4 (MANE Select); coding-DNA position 1106, A replaced by G.
Protein change: p.Lys369Arg; replaces lysine 369 with arginine.
Molecular consequence: missense variant. On other transcripts: non-coding transcript variant (1).
Genome position (GRCh38, 1-based): chr11:17,520,974, T>C on the plus strand (A>G on the coding strand, the complement: USH1C is on the minus strand). VCF-style: chr11-17520974-T-C. GRCh37 (hg19) VCF-style: chr11-17542521-T-C.
Other names: c.1049A>G, p.Lys350Arg (NM_001297764.2); c.1106A>G, p.Lys369Arg (NM_005709.4); short protein forms K369R, K350R.
Identifiers: ClinVar variation 2110801 (VCV002110801.4), dbSNP rs2497139591, ClinGen allele CA379784676.

ClinVar aggregate classification (germline): Uncertain significance (1 of 4 stars; one submission).

Submission:

Labcorp Genetics (formerly Invitae), Labcorp
Classification: Uncertain significance. Last evaluated: 2022-03-13. Review status: criteria provided, single submitter. Criteria: Invitae Variant Classification Sherloc (09022015). Collection method: clinical testing. Allele origin: germline.
Comment: This sequence change replaces lysine, which is basic and polar, with arginine, which is basic and polar, at codon 369 of the USH1C protein (p.Lys369Arg). This variant is not present in population databases (gnomAD no frequency). This variant has not been reported in the literature in individuals affected with USH1C-related conditions. Algorithms developed to predict the effect of missense changes on protein structure and function output the following: SIFT: "Tolerated"; PolyPhen-2: "Benign"; Align-GVGD: "Class C0". The arginine amino acid residue is found in multiple mammalian species, which suggests that this missense change does not adversely affect protein function. In summary, the available evidence is currently insufficient to determine the role of this variant in disease. Therefore, it has been classified as a Variant of Uncertain Significance.